The following is an entry in ClinVar:

NM_018993.4(RIN2):c.1894C>T (p.Arg632Trp)

Gene: RIN2 (Ras and Rab interactor 2; plus strand). Cytogenetic location: 20p11.23.
Variant type: single nucleotide variant.
Coding change: c.1894C>T on transcript NM_018993.4 (MANE Select); coding-DNA position 1894, C replaced by T.
Protein change: p.Arg632Trp; replaces arginine 632 with tryptophan.
Molecular consequence: missense variant.
Genome position (GRCh38, 1-based): chr20:19,990,137, C>T. VCF-style: chr20-19990137-C-T. GRCh37 (hg19) VCF-style: chr20-19970781-C-T.
Other names: c.2041C>T, p.Arg681Trp (NM_001242581.2); c.1276C>T, p.Arg426Trp (NM_001378238.1); short protein forms R681W, R426W, R632W.
Identifiers: ClinVar variation 1980181 (VCV001980181.4), dbSNP rs865919406, ClinGen allele CA312429815.

ClinVar aggregate classification (germline): Uncertain significance (1 of 4 stars; one submission).

gnomAD v4.1: 1 of 1,601,336 alleles (0.000062%); highest among the groups gnomAD compares: Non-Finnish European, 0.000085%; no homozygotes.

Submission:

Labcorp Genetics (formerly Invitae), Labcorp
Classification: Uncertain significance. Last evaluated: 2022-06-29. Review status: criteria provided, single submitter. Criteria: Invitae Variant Classification Sherloc (09022015). Collection method: clinical testing. Allele origin: germline.
Comment: This sequence change replaces arginine, which is basic and polar, with tryptophan, which is neutral and slightly polar, at codon 632 of the RIN2 protein (p.Arg632Trp). In summary, the available evidence is currently insufficient to determine the role of this variant in disease. Therefore, it has been classified as a Variant of Uncertain Significance. Algorithms developed to predict the effect of missense changes on protein structure and function are either unavailable or do not agree on the potential impact of this missense change (SIFT: "Deleterious"; PolyPhen-2: "Not Available"; Align-GVGD: "Class C0"). This variant has not been reported in the literature in individuals affected with RIN2-related conditions. This variant is not present in population databases (gnomAD no frequency).